The following is an entry in ClinVar:

NM_006950.3(SYN1):c.236C>T (p.Ser79Leu)

Gene: SYN1 (synapsin I; minus strand). Cytogenetic location: Xp11.23.
Variant type: single nucleotide variant.
Coding change: c.236C>T on transcript NM_006950.3 (MANE Select); coding-DNA position 236, C replaced by T.
Protein change: p.Ser79Leu; replaces serine 79 with leucine.
Molecular consequence: missense variant.
Genome position (GRCh38, 1-based): chrX:47,619,493, G>A on the plus strand (C>T on the coding strand, the complement: SYN1 is on the minus strand). VCF-style: chrX-47619493-G-A. GRCh37 (hg19) VCF-style: chrX-47478892-G-A.
Other names: c.236C>T, p.Ser79Leu (NM_133499.2); short protein forms S79L.
Identifiers: ClinVar variation 2068603 (VCV002068603.4), dbSNP rs2057941303, ClinGen allele CA412831846.

ClinVar aggregate classification (germline): Uncertain significance (1 of 4 stars; one submission).

Conditions:
Epilepsy, X-linked 1, with variable learning disabilities and behavior disorders. Also called: X-linked epilepsy-learning disabilities-behavior disorders syndrome. Identifiers: Orphanet 85294, MedGen C5774177, MONDO:0010339, OMIM 300491.

Submission:

Labcorp Genetics (formerly Invitae), Labcorp
Classification: Uncertain significance for Epilepsy, X-linked 1, with variable learning disabilities and behavior disorders. Last evaluated: 2022-01-15. Review status: criteria provided, single submitter. Criteria: Invitae Variant Classification Sherloc (09022015). Collection method: clinical testing. Allele origin: germline.
Comment: This variant is not present in population databases (gnomAD no frequency). This sequence change replaces serine, which is neutral and polar, with leucine, which is neutral and non-polar, at codon 79 of the SYN1 protein (p.Ser79Leu). This variant has not been reported in the literature in individuals affected with SYN1-related conditions. In summary, the available evidence is currently insufficient to determine the role of this variant in disease. Therefore, it has been classified as a Variant of Uncertain Significance. Algorithms developed to predict the effect of missense changes on protein structure and function are either unavailable or do not agree on the potential impact of this missense change (SIFT: "Deleterious"; PolyPhen-2: "Possibly Damaging"; Align-GVGD: "Class C0").